The following is an entry in ClinVar:

ClinVar aggregate classification (germline): Uncertain significance (1 of 4 stars; one submission).

Conditions:
Immunodeficiency 31B. Also called: IMMUNODEFICIENCY 31B, MYCOBACTERIAL AND VIRAL INFECTIONS, AUTOSOMAL RECESSIVE; STAT1 DEFICIENCY, AUTOSOMAL RECESSIVE. Identifiers: Orphanet 391311, MedGen C3151088, MONDO:0013427, OMIM 613796.
Autoimmune enteropathy and endocrinopathy - susceptibility to chronic infections syndrome. Also called: Immunodeficiency 31C, autosomal dominant; Immunodeficiency 31C. Identifiers: Orphanet 391487, MedGen C3279990, MONDO:0013599, OMIM 614162.
Mendelian susceptibility to mycobacterial diseases due to partial STAT1 deficiency. Also called: IMMUNODEFICIENCY 31A, MYCOBACTERIOSIS, AUTOSOMAL DOMINANT; STAT1 DEFICIENCY, AUTOSOMAL DOMINANT; Immunodeficiency 31a. Identifiers: Orphanet 319595, MedGen C4013950, MONDO:0013956, OMIM 614892.

Submission:

Labcorp Genetics (formerly Invitae), Labcorp
Classification: Uncertain significance for Mendelian susceptibility to mycobacterial diseases due to partial STAT1 deficiency; Immunodeficiency 31B; Autoimmune enteropathy and endocrinopathy - susceptibility to chronic infections syndrome. Last evaluated: 2024-04-15. Review status: criteria provided, single submitter. Criteria: Invitae Variant Classification Sherloc (09022015). Collection method: clinical testing. Allele origin: germline.
Comment: This sequence change falls in intron 4 of the STAT1 gene. It does not directly change the encoded amino acid sequence of the STAT1 protein. It affects a nucleotide within the consensus splice site. This variant is not present in population databases (gnomAD no frequency). This variant has not been reported in the literature in individuals affected with STAT1-related conditions. Variants that disrupt the consensus splice site are a relatively common cause of aberrant splicing (PMID: 17576681, 9536098). Algorithms developed to predict the effect of sequence changes on RNA splicing suggest that this variant is not likely to affect RNA splicing. In summary, the available evidence is currently insufficient to determine the role of this variant in disease. Therefore, it has been classified as a Variant of Uncertain Significance.

Literature cited by the submitters: PubMed 17576681; PubMed 9536098.

NM_007315.4(STAT1):c.273+6A>T

Gene: STAT1 (signal transducer and activator of transcription 1; minus strand). Cytogenetic location: 2q32.2.
Variant type: single nucleotide variant.
Coding change: c.273+6A>T on transcript NM_007315.4 (MANE Select); 6 bases into the intron after coding-DNA position 273, A replaced by T.
Molecular consequence: intron variant.
Genome position (GRCh38, 1-based): chr2:191,008,957, T>A on the plus strand (A>T on the coding strand, the complement: STAT1 is on the minus strand). VCF-style: chr2-191008957-T-A. GRCh37 (hg19) VCF-style: chr2-191873683-T-A.
Other names: c.273+6A>T (NM_001384890.1, NM_001384883.1, NM_001384885.1 and 7 more transcripts); c.309+6A>T (NM_001384891.1); c.279+6A>T (NM_001384884.1, NM_001384881.1).
Identifiers: ClinVar variation 3755868 (VCV003755868.2).
Genomic context (GRCh38, chr2:191,008,957, plus strand): 5'-AATGAAGAAAACTGCCTTCCATAAACATGAGAACATTTCAACTAAAATACAAAAACCAGG[T>A]CATACCTGAAGATTACGCTTGCTTTTCCTTATGTTATGCTGTAGCAAGAAGTTATTCTCC-3'